The following is an entry in ClinVar:

ClinVar aggregate classification (germline): Benign (0 of 4 stars; one submission).

Conditions:
FUT1-related disorder. Also called: FUT1-related condition.

Allele frequency attached by ClinVar (database versions not stated): gnomAD exomes 0.00449; ExAC 0.01471; gnomAD 0.04626; ESP Exome Variant Server 0.05036; 1000 Genomes Project 0.05331; TOPMed 0.05336; 1000 Genomes Project 30x 0.05606.
gnomAD v4.1: 13,846 of 1,614,156 alleles (0.86%); highest among the groups gnomAD compares: African/African-American, 16%; 1,022 homozygotes.

Submission:

PreventionGenetics, part of Exact Sciences
Classification: Benign for FUT1-related condition. Last evaluated: 2019-12-16. Review status: no assertion criteria provided. Collection method: clinical testing. Allele origin: germline.
Comment: This variant is classified as benign based on ACMG/AMP sequence variant interpretation guidelines (Richards et al. 2015 PMID: 25741868, with internal and published modifications).

NM_001384359.1(FUT1):c.822C>A (p.Thr274=)

Gene: FUT1 (fucosyltransferase 1 (H blood group); minus strand). Cytogenetic location: 19q13.33.
Variant type: single nucleotide variant.
Coding change: c.822C>A on transcript NM_001384359.1 (MANE Select); coding-DNA position 822, C replaced by A.
Protein change: p.Thr274=; no amino-acid change (threonine 274 retained).
Molecular consequence: synonymous variant.
Genome position (GRCh38, 1-based): chr19:48,750,460, G>T on the plus strand (C>A on the coding strand, the complement: FUT1 is on the minus strand). VCF-style: chr19-48750460-G-T. GRCh37 (hg19) VCF-style: chr19-49253717-G-T.
Other names: c.822C>A, p.Thr274= (NM_000148.4, NM_001329877.1).
Identifiers: ClinVar variation 3055812 (VCV003055812.2), dbSNP rs838138, ClinGen allele CA9557668.
Genomic context (GRCh38, chr19:48,750,460, plus strand): 5'-AAAGTCTTTCCACGGTGTAGCCTCCTGTCCATCGCCAGCAAACGTCACATCGCCCTGGGA[G>T]GTGTCGATGTTTTCTTTACACCACTCCATGCCGTTGCTGGTGACCACGAAAACGGGGGCT-3'
Protein context (NP_001371288.1, residues 264-284): GMEWCKENID[Thr274=]SQGDVTFAGD